The following is an entry in ClinVar:

NM_004247.4(EFTUD2):c.1039A>G (p.Ile347Val)

Gene: EFTUD2 (elongation factor Tu GTP binding domain containing 2; minus strand). Cytogenetic location: 17q21.31.
Variant type: single nucleotide variant.
Coding change: c.1039A>G on transcript NM_004247.4 (MANE Select); coding-DNA position 1039, A replaced by G.
Protein change: p.Ile347Val; replaces isoleucine 347 with valine.
Molecular consequence: missense variant.
Genome position (GRCh38, 1-based): chr17:44,868,306, T>C on the plus strand (A>G on the coding strand, the complement: EFTUD2 is on the minus strand). VCF-style: chr17-44868306-T-C. GRCh37 (hg19) VCF-style: chr17-42945674-T-C.
Other names: c.934A>G, p.Ile312Val (NM_001142605.2); c.1039A>G, p.Ile347Val (NM_001258353.2); c.1009A>G, p.Ile337Val (NM_001258354.2); short protein forms I337V, I347V, I312V.
Identifiers: ClinVar variation 4701752 (VCV004701752.1).
Genomic context (GRCh38, chr17:44,868,306, plus strand): 5'-TGATCACCCCTCTGGAAAGTCACGTCCCATACTCTACTTACGTCTTAGGGTTGAAGTAGA[T>C]GTCACCCCAGAGTCTTTTAGCAAATTCTTGGTAATTAATGTCACCTATGGGAGAAGCCAC-3'
Protein context (NP_004238.3, residues 337-357): QEFAKRLWGD[Ile347Val]YFNPKTRKFT

ClinVar aggregate classification (germline): Uncertain significance (1 of 4 stars; one submission).

gnomAD v4.1: 2 of 1,613,924 alleles (0.00012%); highest among the groups gnomAD compares: Admixed American, 0.0017%; no homozygotes.

Submission:

Labcorp Genetics (formerly Invitae), Labcorp
Classification: Uncertain significance. Last evaluated: 2025-09-29. Review status: criteria provided, single submitter. Criteria: Invitae Variant Classification Sherloc (09022015). Collection method: clinical testing. Allele origin: germline.
Comment: This sequence change replaces isoleucine, which is neutral and non-polar, with valine, which is neutral and non-polar, at codon 347 of the EFTUD2 protein (p.Ile347Val). This variant is not present in population databases (gnomAD no frequency). This variant has not been reported in the literature in individuals affected with EFTUD2-related conditions. Invitae Evidence Modeling of protein sequence and biophysical properties (such as structural, functional, and spatial information, amino acid conservation, physicochemical variation, residue mobility, and thermodynamic stability) indicates that this missense variant is not expected to disrupt EFTUD2 protein function with a negative predictive value of 80%. In summary, the available evidence is currently insufficient to determine the role of this variant in disease. Therefore, it has been classified as a Variant of Uncertain Significance.